The following is an entry in ClinVar:

NM_201548.5(CERKL):c.316C>T (p.Arg106Cys)

Gene: CERKL (CERK like autophagy regulator; minus strand). Cytogenetic location: 2q31.3.
Variant type: single nucleotide variant.
Coding change: c.316C>T on transcript NM_201548.5 (MANE Select); coding-DNA position 316, C replaced by T.
Protein change: p.Arg106Cys; replaces arginine 106 with cysteine.
Molecular consequence: missense variant. On other transcripts: non-coding transcript variant (2).
Genome position (GRCh38, 1-based): chr2:181,604,002, G>A on the plus strand (C>T on the coding strand, the complement: CERKL is on the minus strand). VCF-style: chr2-181604002-G-A. GRCh37 (hg19) VCF-style: chr2-182468729-G-A.
Other names: c.316C>T, p.Arg106Cys (NM_001030311.3, NM_001030312.3, NM_001030313.3 and 1 more transcripts); short protein forms R106C.
Identifiers: ClinVar variation 1308275 (VCV001308275.17), dbSNP rs569826109, ClinGen allele CA2010865.

ClinVar aggregate classification (germline): Pathogenic/Likely pathogenic. Review status: criteria provided, multiple submitters, no conflicts (2 of 4 stars). 9 submissions from 9 submitters: Pathogenic (3); Likely pathogenic (5). 1 of the submissions does not count toward it. Last evaluated 2025-12-15.

Conditions:
CERKL-related disorders.
Retinitis pigmentosa 26 (RP26). Identifiers: Orphanet 791, MedGen C1842127, MONDO:0012024, OMIM 608380.
CERKL-related disorder. Also called: CERKL-related condition.
Retinitis pigmentosa (RP). Identifiers: Orphanet 791, MedGen C0035334, MeSH D012174, MONDO:0019200, OMIM 268000. Inheritance: Autosomal dominant, autosomal recessive and X linked inheritance.

Allele frequency attached by ClinVar (database versions not stated): TOPMed 0.00002.

Submissions (9):

Natera, Inc.
Classification: Pathogenic for Retinitis Pigmentosa 26. Last evaluated: 2025-12-15. Review status: criteria provided, single submitter. Criteria: Natera Variant Classification Schema (03/2026). Collection method: clinical testing. Allele origin: germline.
Comment: The c.316C>T variant in CERKL is a missense variant predicted to cause substitution of arginine to cysteine at amino acid 106. This variant is rare in the general population with a frequency below the threshold expected for the associated phenotype(s). This variant has been observed in one or more individuals affected with the associated recessive disease, as either homozygous or compound heterozygous with a second variant (PMID: 29068140, 37322672, 35119454, 37331655, 28838317). A different variant at the same position has been determined to be Pathogenic or Likely Pathogenic. Computational prediction algorithms indicate this variant is likely to affect gene or protein function. Given the available evidence, this variant is classified as Pathogenic.

Myriad Genetics, Inc.
Classification: Likely pathogenic for Retinitis pigmentosa 26. Last evaluated: 2025-03-29. Review status: criteria provided, single submitter. Criteria: Myriad Autosomal Dominant, Autosomal Recessive and X-Linked Classification Criteria (2023). Collection method: clinical testing. Allele origin: unknown.
Comment: NM_001030311.2(CERKL):c.316C>T(R106C) is a missense variant classified as likely pathogenic in the context of retinitis pigmentosa, CERKL-related. R106C has been observed in cases with relevant disease (PMID: 28838317, 29068140, 33749171, 37322672, 38540785). Relevant functional assessments of this variant are not available in the literature. R106C has been observed in referenced population frequency databases. In summary, NM_001030311.2(CERKL):c.316C>T(R106C) is a missense variant that has been observed more frequently in cases with the relevant disease than in healthy populations. Please note: this variant was assessed in the context of healthy population screening.

First Genomix Gene Laboratory, Genetic Diagnostics Department
Classification: Likely pathogenic for Retinitis pigmentosa 26. Last evaluated: 2025-03-27. Review status: criteria provided, single submitter. Criteria: ACMG Guidelines, 2015. Collection method: clinical testing. Allele origin: germline. Inheritance: Autosomal recessive inheritance. Affected: no. Observed: 1 variant allele.

PreventionGenetics, part of Exact Sciences
Classification: Likely pathogenic for CERKL-related condition. Last evaluated: 2025-03-12. Review status: criteria provided, single submitter. Criteria: ACMG Guidelines, 2015. Collection method: clinical testing. Allele origin: germline.
Comment: The CERKL c.316C>T variant is predicted to result in the amino acid substitution p.Arg106Cys. This variant has been reported along with a second CERKL variant in individuals with retinal disease (Wang et al. 2017. PubMed ID: 28838317; Avela et al. 2017. PubMed ID: 29068140; Yohe et al. 2019. PubMed ID: 31816670; Sheck et al. 2021. PubMed ID: 33749171; Table S2, Del Pozo-Valero et al. 2022. PubMed ID: 35119454; Table S1, Lin et al. 2024. PubMed ID: 38219857). An alternate substitution of this amino acid residue (p.Arg106Ser) has also been reported in many individuals with retinal disease (see for example: Table S1, Lin et al. 2024. PubMed ID: 38219857). This variant is present in 0.016% of alleles in individuals of South Asian descent in gnomAD. This variant is interpreted as likely pathogenic.

Labcorp Genetics (formerly Invitae), Labcorp
Classification: Pathogenic. Last evaluated: 2025-01-13. Review status: criteria provided, single submitter. Criteria: Invitae Variant Classification Sherloc (09022015). Collection method: clinical testing. Allele origin: germline.
Comment: This sequence change replaces arginine, which is basic and polar, with cysteine, which is neutral and slightly polar, at codon 106 of the CERKL protein (p.Arg106Cys). This variant is present in population databases (rs569826109, gnomAD 0.02%). This missense change has been observed in individuals with retinal dystrophy (PMID: 28838317, 29068140, 31816670, 35119454). ClinVar contains an entry for this variant (Variation ID: 1308275). Invitae Evidence Modeling of protein sequence and biophysical properties (such as structural, functional, and spatial information, amino acid conservation, physicochemical variation, residue mobility, and thermodynamic stability) indicates that this missense variant is expected to disrupt CERKL protein function with a positive predictive value of 95%. This variant disrupts the p.Arg106 amino acid residue in CERKL. Other variant(s) that disrupt this residue have been determined to be pathogenic (PMID: 18978954). This suggests that this residue is clinically significant, and that variants that disrupt this residue are likely to be disease-causing. For these reasons, this variant has been classified as Pathogenic.

Blueprint Genetics
Classification: Pathogenic for CERKL-related disorders. Last evaluated: 2024-10-15. Review status: criteria provided, single submitter. Criteria: ACMG Guidelines, 2015. Collection method: clinical testing. Allele origin: germline. Affected: yes. Observed: 5 variant alleles.

Fulgent Genetics
Classification: Likely pathogenic for Retinitis pigmentosa 26. Last evaluated: 2024-06-10. Review status: criteria provided, single submitter. Criteria: ACMG Guidelines, 2015. Collection method: clinical testing. Allele origin: germline.

Women's Health and Genetics/Laboratory Corporation of America, LabCorp
Classification: Likely pathogenic for Retinitis pigmentosa. Last evaluated: 2022-08-03. Review status: criteria provided, single submitter. Criteria: LabCorp Variant Classification Summary - May 2015. Collection method: clinical testing. Allele origin: germline.
Comment: Variant summary: CERKL c.316C>T (p.Arg106Cys) results in a non-conservative amino acid change in the encoded protein sequence. Four of five in-silico tools predict a damaging effect of the variant on protein function. The variant allele was found at a frequency of 5.2e-05 in 249812 control chromosomes. This frequency is not significantly higher than estimated for a pathogenic variant in CERKL causing Retinitis Pigmentosa (5.2e-05 vs 0.0013), allowing no conclusion about variant significance. c.316C>T has been reported in the literature as a homozygous and compound heterozygous genotype in at-least three individuals with features of inherited retinal disease undergoing genetic evaluations on large diagnostic panels (example, Wang_2017, Avela_2018, Sheck_2021 with secondary citations in Yohe_2020, Ellingford_2016, Downes_2020). These data indicate that the variant is likely to be associated with disease. To our knowledge, no experimental evidence demonstrating an impact on protein function has been reported. One clinical diagnostic laboratory has submitted clinical-significance assessments for this variant to ClinVar after 2014 and classified the variant as uncertain significance citing overlapping but not identical evidence utilized in the context of this evaluation. Based on the evidence outlined above, the variant was classified as likely pathogenic.

GeneDx
Classification: Uncertain significance. Last evaluated: 2020-02-03. Review status: flagged submission. Criteria: GeneDx Variant Classification Process June 2021. Collection method: clinical testing. Allele origin: germline. Affected: yes. Not counted in ClinVar's aggregate classification.
Comment: In silico analysis supports that this missense variant has a deleterious effect on protein structure/function; This variant is associated with the following publications: (PMID: 29068140, 28838317)
ClinVar note: Reason: Older and outlier claim with insufficient supporting evidence

Literature cited by the submitters: PubMed 29068140 (cited by 4 submitters); PubMed 37322672 (cited by Natera, Inc. and Myriad Genetics, Inc.); PubMed 35119454 (cited by Natera, Inc. and Labcorp Genetics (formerly Invitae), Labcorp); PubMed 37331655 (cited by Natera, Inc.); PubMed 28838317 (cited by 4 submitters); PubMed 33749171 (cited by Myriad Genetics, Inc. and Women's Health and Genetics/Laboratory Corporation of America, LabCorp); PubMed 38540785 (cited by Myriad Genetics, Inc.); PubMed 31816670 (cited by Labcorp Genetics (formerly Invitae), Labcorp and Women's Health and Genetics/Laboratory Corporation of America, LabCorp); PubMed 18978954 (cited by Labcorp Genetics (formerly Invitae), Labcorp); PubMed 27208204 (cited by Women's Health and Genetics/Laboratory Corporation of America, LabCorp); PubMed 33322828 (cited by Women's Health and Genetics/Laboratory Corporation of America, LabCorp).